The following is an entry in ClinVar:

NM_001082971.2(DDC):c.571-3C>T

Gene: DDC (dopa decarboxylase; minus strand). Cytogenetic location: 7p12.1.
Variant type: single nucleotide variant.
Coding change: c.571-3C>T on transcript NM_001082971.2 (MANE Select); 3 bases into the intron before coding-DNA position 571, C replaced by T.
Molecular consequence: intron variant.
Genome position (GRCh38, 1-based): chr7:50,528,283, G>A on the plus strand (C>T on the coding strand, the complement: DDC is on the minus strand). VCF-style: chr7-50528283-G-A. GRCh37 (hg19) VCF-style: chr7-50595981-G-A.
Other names: c.337-3C>T (NM_001242888.2); c.457-3C>T (NM_001242886.2); c.435+9577C>T (NM_001242889.2); c.570+925C>T (NM_001242887.2); c.571-3C>T (NM_000790.4, NM_001242890.2).
Identifiers: ClinVar variation 2183690 (VCV002183690.1), dbSNP rs779659084, ClinGen allele CA4262322.

ClinVar aggregate classification (germline): Uncertain significance (1 of 4 stars; one submission).

Conditions:
Deficiency of aromatic-L-amino-acid decarboxylase. Also called: DDC DEFICIENCY; DOPA DECARBOXYLASE DEFICIENCY; AADC DEFICIENCY; Aromatic L-Amino Acid Decarboxylase Deficiency; Aromatic amino acid decarboxylase deficiency. Identifiers: Orphanet 35708, MedGen C1291564, MONDO:0012084, OMIM 608643.

Allele frequency attached by ClinVar (database versions not stated): ExAC 0.00001; TOPMed 0.00001; gnomAD exomes 0.00002; gnomAD 0.00003.
gnomAD v4.1: 28 of 1,613,896 alleles (0.0017%); highest among the groups gnomAD compares: Non-Finnish European, 0.0024%; no homozygotes.

Submission:

Labcorp Genetics (formerly Invitae), Labcorp
Classification: Uncertain significance for Deficiency of aromatic-L-amino-acid decarboxylase. Last evaluated: 2022-03-30. Review status: criteria provided, single submitter. Criteria: Invitae Variant Classification Sherloc (09022015). Collection method: clinical testing. Allele origin: germline.
Comment: This sequence change falls in intron 5 of the DDC gene. It does not directly change the encoded amino acid sequence of the DDC protein. It affects a nucleotide within the consensus splice site. This variant is present in population databases (rs779659084, gnomAD 0.002%). This variant has not been reported in the literature in individuals affected with DDC-related conditions. Variants that disrupt the consensus splice site are a relatively common cause of aberrant splicing (PMID: 17576681, 9536098). Algorithms developed to predict the effect of sequence changes on RNA splicing suggest that this variant is not likely to affect RNA splicing. In summary, the available evidence is currently insufficient to determine the role of this variant in disease. Therefore, it has been classified as a Variant of Uncertain Significance.

Literature cited by the submitters: PubMed 17576681; PubMed 9536098.